The following is an entry in ClinVar:

NM_001166108.2(PALLD):c.2983G>C (p.Asp995His)

Genes: CBR4 (carbonyl reductase 4; minus strand), PALLD (palladin, cytoskeletal associated protein; plus strand). Cytogenetic location: 4q32.3.
Variant type: single nucleotide variant.
Coding change: c.2983G>C on transcript NM_001166108.2 (MANE Select); coding-DNA position 2983, G replaced by C.
Protein change: p.Asp995His; replaces aspartic acid 995 with histidine.
Molecular consequence: missense variant.
Genome position (GRCh38, 1-based): chr4:168,921,666, G>C. VCF-style: chr4-168921666-G-C. GRCh37 (hg19) VCF-style: chr4-169842817-G-C.
Other names: c.1786G>C, p.Asp596His (NM_001166109.2); c.1471G>C, p.Asp491His (NM_001166110.2); c.811G>C, p.Asp271His (NM_001367567.1, NM_001367569.1); c.862G>C, p.Asp288His (NM_001367568.1, NM_001367570.1); c.2932G>C, p.Asp978His (NM_016081.4); short protein forms D978H, D491H, D271H, D288H, D596H, D995H.
Identifiers: ClinVar variation 583071 (VCV000583071.11), dbSNP rs751364707, ClinGen allele CA3136003.

ClinVar aggregate classification (germline): Uncertain significance. Review status: criteria provided, multiple submitters, no conflicts (2 of 4 stars). 2 submissions from 2 submitters: Uncertain significance (2). Last evaluated 2025-10-06.

Conditions:
Pancreatic adenocarcinoma. Identifiers: MedGen C0281361, MONDO:0006047, HP:0006725.

Allele frequency attached by ClinVar (database versions not stated): ExAC 0.00001.

Submissions (2):

Labcorp Genetics (formerly Invitae), Labcorp
Classification: Uncertain significance for Pancreatic adenocarcinoma. Last evaluated: 2025-10-06. Review status: criteria provided, single submitter. Criteria: Invitae Variant Classification Sherloc (09022015). Collection method: clinical testing. Allele origin: germline.
Comment: This sequence change replaces aspartic acid, which is acidic and polar, with histidine, which is basic and polar, at codon 491 of the PALLD protein (p.Asp491His). This variant is not present in population databases (gnomAD no frequency). This variant has not been reported in the literature in individuals affected with PALLD-related conditions. ClinVar contains an entry for this variant (Variation ID: 583071). An algorithm developed to predict the effect of missense changes on protein structure and function (PolyPhen-2) suggests that this variant is likely to be disruptive. In summary, the available evidence is currently insufficient to determine the role of this variant in disease. Therefore, it has been classified as a Variant of Uncertain Significance.

Ambry Genetics
Classification: Uncertain significance. Last evaluated: 2023-11-01. Review status: criteria provided, single submitter. Criteria: Ambry Variant Classification Scheme 2023. Collection method: clinical testing. Allele origin: germline.
Comment: The p.D978H variant (also known as c.2932G>C), located in coding exon 16 of the PALLD gene, results from a G to C substitution at nucleotide position 2932. The aspartic acid at codon 978 is replaced by histidine, an amino acid with similar properties. This amino acid position is conserved. In addition, this alteration is predicted to be deleterious by in silico analysis. Since supporting evidence is limited at this time, the clinical significance of this alteration remains unclear.